The following is an entry in ClinVar:

NM_001127222.2(CACNA1A):c.1701G>A (p.Trp567Ter)

Gene: CACNA1A (calcium voltage-gated channel subunit alpha1 A; minus strand). Cytogenetic location: 19p13.13.
Variant type: single nucleotide variant.
Coding change: c.1701G>A on transcript NM_001127222.2 (MANE Select); coding-DNA position 1701, G replaced by A.
Protein change: p.Trp567Ter; replaces tryptophan 567 with a stop codon.
Molecular consequence: nonsense.
Genome position (GRCh38, 1-based): chr19:13,308,496, C>T on the plus strand (G>A on the coding strand, the complement: CACNA1A is on the minus strand). VCF-style: chr19-13308496-C-T. GRCh37 (hg19) VCF-style: chr19-13419310-C-T.
Other names: c.1704G>A, p.Trp568Ter (NM_000068.4, NM_001127221.2, NM_001174080.2 and 1 more transcripts); short protein forms W568*, W567*.
Identifiers: ClinVar variation 476236 (VCV000476236.7), dbSNP rs1555759066, ClinGen allele CA404345184.

ClinVar aggregate classification (germline): Pathogenic (1 of 4 stars; one submission).

Conditions:
Developmental and epileptic encephalopathy, 42 (DEE42A). Also called: DEVELOPMENTAL AND EPILEPTIC ENCEPHALOPATHY 42A; EPILEPTIC ENCEPHALOPATHY, EARLY INFANTILE, 42A; Epileptic encephalopathy, early infantile, 42. Identifiers: MedGen C4310716, MONDO:0014917, OMIM 617106.
Episodic ataxia type 2 (EA2). Also called: ACETAZOLAMIDE-RESPONSIVE HEREDITARY PAROXYSMAL CEREBELLAR ATAXIA; ATAXIA, EPISODIC, WITH NYSTAGMUS; ATAXIA, FAMILIAL PAROXYSMAL; CEREBELLAR ATAXIA, PAROXYSMAL, ACETAZOLAMIDE-RESPONSIVE; CEREBELLOPATHY, HEREDITARY PAROXYSMAL; EPISODIC ATAXIA, NYSTAGMUS-ASSOCIATED. Identifiers: Orphanet 97, MedGen C1720416, MONDO:0007163, OMIM 108500.

Submission:

Labcorp Genetics (formerly Invitae), Labcorp
Classification: Pathogenic for Developmental and epileptic encephalopathy, 42; Episodic ataxia type 2. Last evaluated: 2017-05-26. Review status: criteria provided, single submitter. Criteria: Invitae Variant Classification Sherloc (09022015). Collection method: clinical testing. Allele origin: germline.
Comment: This sequence change creates a premature translational stop signal (p.Trp568*) in the CACNA1A gene. It is expected to result in an absent or disrupted protein product. This variant is not present in population databases (ExAC no frequency). This variant has not been reported in the literature in individuals with a CACNA1A-related disease. Loss-of-function variants in CACNA1A are known to be pathogenic (PMID: 14718690, 10371528 For these reasons, this variant has been classified as Pathogenic.